The following is an entry in ClinVar:

ClinVar aggregate classification (germline): Uncertain significance (1 of 4 stars; one submission).

Submission:

GeneDx
Classification: Uncertain significance. Last evaluated: 2024-08-02. Review status: criteria provided, single submitter. Criteria: GeneDx Variant Classification Process June 2021. Collection method: clinical testing. Allele origin: germline. Affected: yes.
Comment: Not observed at significant frequency in large population cohorts (gnomAD); In silico analysis supports that this missense variant has a deleterious effect on protein structure/function; Has not been previously published as pathogenic or benign to our knowledge

NM_000540.3(RYR1):c.5897T>A (p.Val1966Glu)

Gene: RYR1 (ryanodine receptor 1; plus strand). Cytogenetic location: 19q13.2.
Variant type: single nucleotide variant.
Coding change: c.5897T>A on transcript NM_000540.3 (MANE Select); coding-DNA position 5897, T replaced by A.
Protein change: p.Val1966Glu; replaces valine 1966 with glutamic acid.
Molecular consequence: missense variant.
Genome position (GRCh38, 1-based): chr19:38,490,158, T>A. VCF-style: chr19-38490158-T-A. GRCh37 (hg19) VCF-style: chr19-38980798-T-A.
Other names: c.5897T>A, p.Val1966Glu (NM_001042723.2); short protein forms V1966E.
Identifiers: ClinVar variation 3602213 (VCV003602213.1).